The following is an entry in ClinVar:

ClinVar aggregate classification (germline): Likely benign. Review status: criteria provided, multiple submitters, no conflicts (2 of 4 stars). 3 submissions from 3 submitters: Likely benign (3). Last evaluated 2024-02-08.

Conditions:
Neuromuscular disease caused by qualitative or quantitative defects of dysferlin. Also called: Qualitative or quantitative defects of dysferlin; Dysferlinopathy. Identifiers: Orphanet 207073, MedGen C2931687, MONDO:0016145.

Allele frequency attached by ClinVar (database versions not stated): gnomAD exomes below 0.00001 and 0.00002; ExAC 0.00001; gnomAD 0.00001; TOPMed 0.00002; 1000 Genomes Project 30x 0.00031.
gnomAD v4.1: 25 of 1,613,960 alleles (0.0015%); highest among the groups gnomAD compares: South Asian, 0.0033%; no homozygotes.

Submissions (3):

Labcorp Genetics (formerly Invitae), Labcorp
Classification: Likely benign for Neuromuscular disease caused by qualitative or quantitative defects of dysferlin. Last evaluated: 2024-02-08. Review status: criteria provided, single submitter. Criteria: Invitae Variant Classification Sherloc (09022015). Collection method: clinical testing. Allele origin: germline.

CeGaT Center for Human Genetics Tuebingen
Classification: Likely benign. Last evaluated: 2023-07-01. Review status: criteria provided, single submitter. Criteria: CeGaT Center For Human Genetics Tuebingen Variant Classification Criteria Version 2. Collection method: clinical testing. Allele origin: germline. Affected: yes. Observed: 1 variant allele.
Comment: DYSF: BP4, BP7

Blueprint Genetics
Classification: Likely benign. Last evaluated: 2021-07-05. Review status: criteria provided, single submitter. Criteria: ACMG Guidelines, 2015. Collection method: clinical testing. Allele origin: germline.

NM_001130987.2(DYSF):c.795G>A (p.Pro265=)

Gene: DYSF (dysferlin; plus strand). Cytogenetic location: 2p13.2.
Variant type: single nucleotide variant.
Coding change: c.795G>A on transcript NM_001130987.2 (MANE Select); coding-DNA position 795, G replaced by A.
Protein change: p.Pro265=; no amino-acid change (proline 265 retained).
Molecular consequence: synonymous variant.
Genome position (GRCh38, 1-based): chr2:71,515,658, G>A. VCF-style: chr2-71515658-G-A. GRCh37 (hg19) VCF-style: chr2-71742788-G-A.
Other names: c.702G>A, p.Pro234= (NM_001130455.2, NM_001130983.2, NM_001130984.2 and 1 more transcripts); c.699G>A, p.Pro233= (NM_001130976.2, NM_001130977.2, NM_001130978.2 and 1 more transcripts); c.792G>A, p.Pro264= (NM_001130979.2, NM_001130980.2, NM_001130981.2); c.795G>A, p.Pro265= (NM_001130982.2, NM_001130985.2).
Identifiers: ClinVar variation 1080225 (VCV001080225.34), dbSNP rs751967195, ClinGen allele CA1705464.
Genomic context (GRCh38, chr2:71,515,658, plus strand): 5'-GCTCTTTCCTCCTTCTGGCTTTCAGATCAGGGTCCAGGTGATCGAGGGGCGCCAGCTGCC[G>A]GGGGTGAACATCAAGCCTGTGGTCAAGGTTACCGCTGCAGGGCAGACCAAGCGGACGCGG-3'
Protein context (NP_001124459.1, residues 255-275): RVQVIEGRQL[Pro265=]GVNIKPVVKV